The following is an entry in ClinVar:

ClinVar aggregate classification (germline): Uncertain significance (1 of 4 stars; one submission).

Conditions:
DK1-congenital disorder of glycosylation. Also called: CONGENITAL DISORDER OF GLYCOSYLATION, TYPE Im; DK1-CDG; CDG Im; DK1 DEFICIENCY; DOLICHOL KINASE DEFICIENCY; DOLK-congenital disorder of glycosylation. Identifiers: Orphanet 91131, MedGen C1835849, MONDO:0012556, OMIM 610768.

Allele frequency attached by ClinVar (database versions not stated): gnomAD exomes below 0.00001; ExAC 0.00001.

Submission:

Labcorp Genetics (formerly Invitae), Labcorp
Classification: Uncertain significance for DK1-congenital disorder of glycosylation. Last evaluated: 2020-07-15. Review status: criteria provided, single submitter. Criteria: Invitae Variant Classification Sherloc (09022015). Collection method: clinical testing. Allele origin: germline.
Comment: This sequence change replaces isoleucine with valine at codon 510 of the DOLK protein (p.Ile510Val). The isoleucine residue is moderately conserved and there is a small physicochemical difference between isoleucine and valine. This variant is present in population databases (rs777422185, ExAC 0.001%). This variant has not been reported in the literature in individuals with DOLK-related conditions. Algorithms developed to predict the effect of missense changes on protein structure and function (SIFT, PolyPhen-2, Align-GVGD) all suggest that this variant is likely to be tolerated, but these predictions have not been confirmed by published functional studies and their clinical significance is uncertain. In summary, the available evidence is currently insufficient to determine the role of this variant in disease. Therefore, it has been classified as a Variant of Uncertain Significance.

NM_014908.4(DOLK):c.1528A>G (p.Ile510Val)

Gene: DOLK (dolichol kinase; minus strand). Cytogenetic location: 9q34.11.
Variant type: single nucleotide variant.
Coding change: c.1528A>G on transcript NM_014908.4 (MANE Select); coding-DNA position 1528, A replaced by G.
Protein change: p.Ile510Val; replaces isoleucine 510 with valine.
Molecular consequence: missense variant.
Genome position (GRCh38, 1-based): chr9:128,945,776, T>C on the plus strand (A>G on the coding strand, the complement: DOLK is on the minus strand). VCF-style: chr9-128945776-T-C. GRCh37 (hg19) VCF-style: chr9-131708055-T-C.
Other names: short protein forms I510V.
Identifiers: ClinVar variation 1039145 (VCV001039145.9), dbSNP rs777422185, ClinGen allele CA5271550.
Genomic context (GRCh38, chr9:128,945,776, plus strand): 5'-GAGGCAGAAGGAGATTGTCTATCTGTGTAGTGTATGCTTCCAGGAGGGACACAGTGCTGA[T>C]GGACCCCAAAATCCAAGCATAACTGTAGTTTAGGTCCACTCCACTGTCAAAGATTAAGAT-3'
Protein context (NP_055723.1, residues 500-520): NYSYAWILGS[Ile510Val]STVSLLEAYT